The following is an entry in ClinVar:

NM_000553.6(WRN):c.1745A>G (p.Gln582Arg)

Gene: WRN (WRN RecQ like helicase; plus strand). Cytogenetic location: 8p12.
Variant type: single nucleotide variant.
Coding change: c.1745A>G on transcript NM_000553.6 (MANE Select); coding-DNA position 1745, A replaced by G.
Protein change: p.Gln582Arg; replaces glutamine 582 with arginine.
Molecular consequence: missense variant.
Genome position (GRCh38, 1-based): chr8:31,090,858, A>G. VCF-style: chr8-31090858-A-G. GRCh37 (hg19) VCF-style: chr8-30948374-A-G.
Other names: short protein forms Q582R.
Identifiers: ClinVar variation 528179 (VCV000528179.7), dbSNP rs1554523021, ClinGen allele CA370927586.

ClinVar aggregate classification (germline): Uncertain significance (1 of 4 stars; one submission).

Conditions:
Werner syndrome (WRN). Identifiers: Orphanet 902, MedGen C0043119, MONDO:0010196, OMIM 277700.

Submission:

Labcorp Genetics (formerly Invitae), Labcorp
Classification: Uncertain significance for Werner syndrome. Last evaluated: 2024-12-20. Review status: criteria provided, single submitter. Criteria: Invitae Variant Classification Sherloc (09022015). Collection method: clinical testing. Allele origin: germline.
Comment: This sequence change replaces glutamine, which is neutral and polar, with arginine, which is basic and polar, at codon 582 of the WRN protein (p.Gln582Arg). This variant is not present in population databases (gnomAD no frequency). This variant has not been reported in the literature in individuals affected with WRN-related conditions. ClinVar contains an entry for this variant (Variation ID: 528179). An algorithm developed to predict the effect of missense changes on protein structure and function (PolyPhen-2) suggests that this variant is likely to be disruptive. In summary, the available evidence is currently insufficient to determine the role of this variant in disease. Therefore, it has been classified as a Variant of Uncertain Significance.